The following is an entry in ClinVar:

NM_001122752.2(SERPINI1):c.200C>A (p.Ser67Tyr)

Gene: SERPINI1 (serpin family I member 1; plus strand). Cytogenetic location: 3q26.1.
Variant type: single nucleotide variant.
Coding change: c.200C>A on transcript NM_001122752.2 (MANE Select); coding-DNA position 200, C replaced by A.
Protein change: p.Ser67Tyr; replaces serine 67 with tyrosine.
Molecular consequence: missense variant.
Genome position (GRCh38, 1-based): chr3:167,789,328, C>A. VCF-style: chr3-167789328-C-A. GRCh37 (hg19) VCF-style: chr3-167507116-C-A.
Other names: c.200C>A, p.Ser67Tyr (NM_005025.5); short protein forms S67Y.
Identifiers: ClinVar variation 648312 (VCV000648312.10), dbSNP rs1577418542, ClinGen allele CA355155751.

ClinVar aggregate classification (germline): Uncertain significance (1 of 4 stars; one submission).

Conditions:
Familial encephalopathy with neuroserpin inclusion bodies. Also called: ENCEPHALOPATHY, FAMILIAL, WITH COLLINS BODIES. Identifiers: Orphanet 85110, MedGen C1858680, MONDO:0011412, OMIM 604218.

Submission:

Labcorp Genetics (formerly Invitae), Labcorp
Classification: Uncertain significance for Familial encephalopathy with neuroserpin inclusion bodies. Last evaluated: 2022-08-31. Review status: criteria provided, single submitter. Criteria: Invitae Variant Classification Sherloc (09022015). Collection method: clinical testing. Allele origin: germline.
Comment: This sequence change replaces serine, which is neutral and polar, with tyrosine, which is neutral and polar, at codon 67 of the SERPINI1 protein (p.Ser67Tyr). This variant is not present in population databases (gnomAD no frequency). This variant has not been reported in the literature in individuals affected with SERPINI1-related conditions. ClinVar contains an entry for this variant (Variation ID: 648312). In summary, the available evidence is currently insufficient to determine the role of this variant in disease. Therefore, it has been classified as a Variant of Uncertain Significance. Advanced modeling of protein sequence and biophysical properties (such as structural, functional, and spatial information, amino acid conservation, physicochemical variation, residue mobility, and thermodynamic stability) performed at Invitae indicates that this missense variant is not expected to disrupt SERPINI1 protein function.